The following is an entry in ClinVar:

ClinVar aggregate classification (germline): Pathogenic (1 of 4 stars; one submission).

Conditions:
Perlman syndrome (PRLMNS). Identifiers: Orphanet 2849, MedGen C0796113, MONDO:0009965, OMIM 267000.

Allele frequency attached by ClinVar (database versions not stated): gnomAD exomes below 0.00001 and 0.00001.

Submission:

Labcorp Genetics (formerly Invitae), Labcorp
Classification: Pathogenic for Perlman syndrome. Last evaluated: 2023-03-26. Review status: criteria provided, single submitter. Criteria: Invitae Variant Classification Sherloc (09022015). Collection method: clinical testing. Allele origin: germline.
Comment: ClinVar contains an entry for this variant (Variation ID: 967404). This sequence change creates a premature translational stop signal (p.Gln614Lysfs*31) in the DIS3L2 gene. It is expected to result in an absent or disrupted protein product. Loss-of-function variants in DIS3L2 are known to be pathogenic (PMID: 22306653, 28328139). The frequency data for this variant in the population databases is considered unreliable, as metrics indicate poor data quality at this position in the gnomAD database. This variant has not been reported in the literature in individuals affected with DIS3L2-related conditions. For these reasons, this variant has been classified as Pathogenic.

Literature cited by the submitters: PubMed 22306653; PubMed 28328139.

NM_152383.5(DIS3L2):c.1836del (p.Gln614fs)

Gene: DIS3L2 (DIS3 like 3'-5' exoribonuclease 2; plus strand). Cytogenetic location: 2q37.1.
Variant type: Deletion.
Coding change: c.1836del on transcript NM_152383.5 (MANE Select); coding-DNA position 1836, one base deleted (G; older notation c.1836delG).
Protein change: p.Gln614fs; shifts the reading frame from glutamine 614.
Molecular consequence: frameshift variant. On other transcripts: non-coding transcript variant (2), intron variant (1).
Genome position (GRCh38, 1-based): chr2:232,329,909, G deleted. VCF-style (leftmost placement, unchanged base first): chr2-232329908-CG-C. GRCh37 (hg19) VCF-style: chr2-233194618-CG-C.
Other names: c.1582-13436del (NM_001257281.2); short protein forms Q614fs.
Identifiers: ClinVar variation 967404 (VCV000967404.7), dbSNP rs1559216207, ClinGen allele CA540308985.